The following is an entry in ClinVar:

NM_006767.4(LZTR1):c.-2G>A

Genes: LZTR1 (leucine zipper like post translational regulator 1; plus strand), LOC130067016 (ATAC-STARR-seq lymphoblastoid silent region 13504; plus strand). Cytogenetic location: 22q11.21.
Variant type: single nucleotide variant.
Coding change: c.-2G>A on transcript NM_006767.4 (MANE Select); 2 bases upstream of the start codon, G replaced by A.
Molecular consequence: 5 prime UTR variant.
Genome position (GRCh38, 1-based): chr22:20,982,370, G>A. VCF-style: chr22-20982370-G-A. GRCh37 (hg19) VCF-style: chr22-21336659-G-A.
Identifiers: ClinVar variation 3238268 (VCV003238268.1), dbSNP rs2518607514.
Genomic context (GRCh38, chr22:20,982,370, plus strand): 5'-CCGGCCCGGGGCGGTGGCCGCAAGTTGGGCTTACAGCGCGGCCGATCCGGCGTGGACCCG[G>A]GATGGCTGGACCGGGCAGCACGGGGGGGCAGATCGGGGCTGCGGCCCTGGCAGGCGGCGC-3'

ClinVar aggregate classification (germline): Uncertain significance (1 of 4 stars; one submission).

Conditions:
Hereditary cancer-predisposing syndrome. Also called: Neoplastic Syndromes, Hereditary; Tumor predisposition; Hereditary neoplastic syndrome; Hereditary Cancer Syndrome. Identifiers: Orphanet 140162, MedGen C0027672, MeSH D009386, MONDO:0015356.
Cardiovascular phenotype. Identifiers: MedGen CN230736.

Allele frequency attached by ClinVar (database versions not stated): gnomAD exomes below 0.00001.

Submission:

Ambry Genetics
Classification: Uncertain significance for Cardiovascular phenotype; Hereditary cancer-predisposing syndrome. Last evaluated: 2023-08-28. Review status: criteria provided, single submitter. Criteria: Ambry Variant Classification Scheme 2023. Collection method: clinical testing. Allele origin: germline.
Comment: The c.-2G>A variant is located in the 5' untranslated region (5&rsquo; UTR) of the LZTR1 gene. This variant results from a G to A substitution 2 bases upstream from the first translated codon. This nucleotide position is well conserved in available vertebrate species. Since supporting evidence is limited at this time, the clinical significance of this alteration remains unclear.